The following is an entry in ClinVar:

ClinVar aggregate classification (germline): Likely benign. Review status: criteria provided, multiple submitters, no conflicts (2 of 4 stars). 3 submissions from 3 submitters: Likely benign (3). Last evaluated 2025-05-13.

Allele frequency attached by ClinVar (database versions not stated): gnomAD 0.00001 and 0.00003; ExAC 0.00003; TOPMed 0.00003; gnomAD exomes 0.00004 and 0.00005.
gnomAD v4.1: 71 of 1,612,920 alleles (0.0044%); highest among the groups gnomAD compares: Middle Eastern, 0.066%; no homozygotes.

Submissions (3):

Labcorp Genetics (formerly Invitae), Labcorp
Classification: Likely benign. Last evaluated: 2025-05-13. Review status: criteria provided, single submitter. Criteria: Invitae Variant Classification Sherloc (09022015). Collection method: clinical testing. Allele origin: germline.

Blueprint Genetics
Classification: Likely benign. Last evaluated: 2024-09-14. Review status: criteria provided, single submitter. Criteria: ACMG Guidelines, 2015. Collection method: clinical testing. Allele origin: germline.

GeneDx
Classification: Likely benign. Last evaluated: 2016-07-01. Review status: criteria provided, single submitter. Criteria: GeneDx Variant Classification (06012015). Collection method: clinical testing. Allele origin: germline. Affected: yes.
Comment: This variant is considered likely benign or benign based on one or more of the following criteria: it is a conservative change, it occurs at a poorly conserved position in the protein, it is predicted to be benign by multiple in silico algorithms, and/or has population frequency not consistent with disease.

NM_002496.4(NDUFS8):c.200-8G>T

Gene: NDUFS8 (NADH:ubiquinone oxidoreductase core subunit S8; plus strand). Cytogenetic location: 11q13.2.
Variant type: single nucleotide variant.
Coding change: c.200-8G>T on transcript NM_002496.4 (MANE Select); 8 bases into the intron before coding-DNA position 200, G replaced by T.
Molecular consequence: intron variant.
Genome position (GRCh38, 1-based): chr11:68,033,103, G>T. VCF-style: chr11-68033103-G-T. GRCh37 (hg19) VCF-style: chr11-67800570-G-T.
Identifiers: ClinVar variation 387078 (VCV000387078.9), dbSNP rs550258755, ClinGen allele CA6146423.